The following is an entry in ClinVar:

ClinVar aggregate classification (germline): Uncertain significance (1 of 4 stars; one submission).

Submission:

Labcorp Genetics (formerly Invitae), Labcorp
Classification: Uncertain significance. Last evaluated: 2024-04-25. Review status: criteria provided, single submitter. Criteria: Invitae Variant Classification Sherloc (09022015). Collection method: clinical testing. Allele origin: germline.
Comment: This sequence change replaces tryptophan, which is neutral and slightly polar, with arginine, which is basic and polar, at codon 266 of the RMND1 protein (p.Trp266Arg). This variant is not present in population databases (gnomAD no frequency). This variant has not been reported in the literature in individuals affected with RMND1-related conditions. Advanced modeling of protein sequence and biophysical properties (such as structural, functional, and spatial information, amino acid conservation, physicochemical variation, residue mobility, and thermodynamic stability) has been performed at Invitae for this missense variant, however the output from this modeling did not meet the statistical confidence thresholds required to predict the impact of this variant on RMND1 protein function. In summary, the available evidence is currently insufficient to determine the role of this variant in disease. Therefore, it has been classified as a Variant of Uncertain Significance.

NM_017909.4(RMND1):c.796T>C (p.Trp266Arg)

Gene: RMND1 (required for meiotic nuclear division 1 homolog; minus strand). Cytogenetic location: 6q25.1.
Variant type: single nucleotide variant.
Coding change: c.796T>C on transcript NM_017909.4 (MANE Select); coding-DNA position 796, T replaced by C.
Protein change: p.Trp266Arg; replaces tryptophan 266 with arginine.
Molecular consequence: missense variant.
Genome position (GRCh38, 1-based): chr6:151,427,516, A>G on the plus strand (T>C on the coding strand, the complement: RMND1 is on the minus strand). VCF-style: chr6-151427516-A-G. GRCh37 (hg19) VCF-style: chr6-151748651-A-G.
Other names: c.286T>C, p.Trp96Arg (NM_001271937.2); short protein forms W266R, W96R.
Identifiers: ClinVar variation 3647093 (VCV003647093.2).